The following is an entry in ClinVar:

NM_019066.5(MAGEL2):c.1642G>A (p.Ala548Thr)

Gene: MAGEL2 (MAGE family member L2; minus strand). Cytogenetic location: 15q11.2.
Variant type: single nucleotide variant.
Coding change: c.1642G>A on transcript NM_019066.5 (MANE Select); coding-DNA position 1642, G replaced by A.
Protein change: p.Ala548Thr; replaces alanine 548 with threonine.
Molecular consequence: missense variant.
Genome position (GRCh38, 1-based): chr15:23,646,101, C>T on the plus strand (G>A on the coding strand, the complement: MAGEL2 is on the minus strand). VCF-style: chr15-23646101-C-T. GRCh37 (hg19) VCF-style: chr15-23891248-C-T.
Other names: short protein forms A548T.
Identifiers: ClinVar variation 3342455 (VCV003342455.1).

ClinVar aggregate classification (germline): Uncertain significance (1 of 4 stars; one submission).

Submission:

GeneDx
Classification: Uncertain significance. Last evaluated: 2024-02-27. Review status: criteria provided, single submitter. Criteria: GeneDx Variant Classification Process June 2021. Collection method: clinical testing. Allele origin: germline. Affected: yes.
Comment: Not observed at significant frequency in large population cohorts (gnomAD); Has not been previously published as pathogenic or benign to our knowledge; In-silico analysis is inconclusive as to whether the variant impacts protein structure/function. In the absence of functional studies, the actual effect of this sequence change is unknown